The following is an entry in ClinVar:

ClinVar aggregate classification (germline): Benign. Review status: criteria provided, multiple submitters, no conflicts (2 of 4 stars). 2 submissions from 2 submitters: Benign (2). Last evaluated 2018-06-19.

Allele frequency attached by ClinVar (database versions not stated): gnomAD 0.05501 and 0.05511; TOPMed 0.06521; 1000 Genomes Project 0.06689; 1000 Genomes Project 30x 0.06886.
gnomAD v4.1: 8,427 of 152,254 alleles (5.5%); highest among the groups gnomAD compares: Admixed American, 11%; 307 homozygotes.

Submissions (2):

GeneDx
Classification: Benign. Last evaluated: 2018-06-19. Review status: criteria provided, single submitter. Criteria: GeneDx Variant Classification (06012015). Collection method: clinical testing. Allele origin: germline. Affected: yes.
Comment: This variant is considered likely benign or benign based on one or more of the following criteria: it is a conservative change, it occurs at a poorly conserved position in the protein, it is predicted to be benign by multiple in silico algorithms, and/or has population frequency not consistent with disease.

Breakthrough Genomics
Classification: Benign. Review status: criteria provided, single submitter. Criteria: ACMG Guidelines, 2015. Collection method: not provided. Allele origin: germline. Inheritance: Autosomal recessive inheritance. Affected: yes.

NM_001077365.2(POMT1):c.1487-164G>A

Gene: POMT1 (protein O-mannosyltransferase 1; plus strand). Cytogenetic location: 9q34.13.
Variant type: single nucleotide variant.
Coding change: c.1487-164G>A on transcript NM_001077365.2 (MANE Select); 164 bases into the intron before coding-DNA position 1487, G replaced by A.
Molecular consequence: intron variant.
Genome position (GRCh38, 1-based): chr9:131,519,225, G>A. VCF-style: chr9-131519225-G-A. GRCh37 (hg19) VCF-style: chr9-134394612-G-A.
Other names: c.1391-164G>A (NM_001353198.2, NM_001353197.2); c.1553-164G>A (NM_001353193.2, NM_007171.4); c.1487-164G>A (NM_001136113.2); c.1325-164G>A (NM_001353194.2, NM_001077366.2); c.1136-164G>A (NM_001374691.1, NM_001353195.2, NM_001374692.1 and 2 more transcripts); c.1365+688G>A (NM_001374690.1); c.1397-164G>A (NM_001353196.2); c.1097-164G>A (NM_001374695.1); and 3 more.
Identifiers: ClinVar variation 668012 (VCV000668012.2), dbSNP rs749591, ClinGen allele CA13040152.